The following is an entry in ClinVar:

NM_022124.6(CDH23):c.2890C>T (p.Arg964Trp)

Gene: CDH23 (cadherin related 23; plus strand). Cytogenetic location: 10q22.1.
Variant type: single nucleotide variant.
Coding change: c.2890C>T on transcript NM_022124.6 (MANE Select); coding-DNA position 2890, C replaced by T.
Protein change: p.Arg964Trp; replaces arginine 964 with tryptophan.
Molecular consequence: missense variant.
Genome position (GRCh38, 1-based): chr10:71,705,067, C>T. VCF-style: chr10-71705067-C-T. GRCh37 (hg19) VCF-style: chr10-73464824-C-T.
Other names: c.2890C>T, p.Arg964Trp (NM_001171930.2, NM_001171931.2); short protein forms R964W.
Identifiers: ClinVar variation 286368 (VCV000286368.10), dbSNP rs768031780, ClinGen allele CA5544369.

ClinVar aggregate classification (germline): Uncertain significance. Review status: criteria provided, multiple submitters, no conflicts (2 of 4 stars). 4 submissions from 4 submitters: Uncertain significance (3). 1 of the submissions does not count toward it. Last evaluated 2024-01-02.

Conditions:
Usher syndrome type 1 (USH1). Also called: RETINITIS PIGMENTOSA AND CONGENITAL DEAFNESS. Identifiers: Orphanet 231169, Orphanet 886, MedGen C1568247, MONDO:0010168, OMIM 276900.

Allele frequency attached by ClinVar (database versions not stated): ExAC 0.00001; gnomAD 0.00001; gnomAD exomes 0.00001 and 0.00002; TOPMed 0.00003.
gnomAD v4.1: 28 of 1,612,368 alleles (0.0017%); highest among the groups gnomAD compares: East Asian, 0.0022%; no homozygotes.

Submissions (4):

Labcorp Genetics (formerly Invitae), Labcorp
Classification: Uncertain significance. Last evaluated: 2024-01-02. Review status: criteria provided, single submitter. Criteria: Invitae Variant Classification Sherloc (09022015). Collection method: clinical testing. Allele origin: germline.
Comment: This sequence change replaces arginine, which is basic and polar, with tryptophan, which is neutral and slightly polar, at codon 964 of the CDH23 protein (p.Arg964Trp). This variant is present in population databases (rs768031780, gnomAD 0.002%). This missense change has been observed in individual(s) with deafness (PMID: 30123251). ClinVar contains an entry for this variant (Variation ID: 286368). Advanced modeling of protein sequence and biophysical properties (such as structural, functional, and spatial information, amino acid conservation, physicochemical variation, residue mobility, and thermodynamic stability) performed at Invitae indicates that this missense variant is not expected to disrupt CDH23 protein function with a negative predictive value of 95%. In summary, the available evidence is currently insufficient to determine the role of this variant in disease. Therefore, it has been classified as a Variant of Uncertain Significance.

Blueprint Genetics
Classification: Uncertain significance. Last evaluated: 2021-07-21. Review status: criteria provided, single submitter. Criteria: ACMG Guidelines, 2015. Collection method: clinical testing. Allele origin: germline.

Eurofins Ntd Llc (ga)
Classification: Uncertain significance. Last evaluated: 2016-03-02. Review status: criteria provided, single submitter. Criteria: EGL Classification Definitions 2015. Collection method: clinical testing. Allele origin: germline. Observed: 1 variant allele, 1 heterozygote.

Natera, Inc.
Classification: Uncertain significance for Usher syndrome type 1. Last evaluated: 2021-08-16. Review status: no assertion criteria provided. Collection method: clinical testing. Allele origin: germline. Not counted in ClinVar's aggregate classification.

Literature cited by the submitters: PubMed 30123251 (cited by Labcorp Genetics (formerly Invitae), Labcorp).